The following is an entry in ClinVar:

NM_000088.4(COL1A1):c.347A>G (p.Asp116Gly)

Gene: COL1A1 (collagen type I alpha 1 chain; minus strand). Cytogenetic location: 17q21.33.
Variant type: single nucleotide variant.
Coding change: c.347A>G on transcript NM_000088.4 (MANE Select); coding-DNA position 347, A replaced by G.
Protein change: p.Asp116Gly; replaces aspartic acid 116 with glycine.
Molecular consequence: missense variant.
Genome position (GRCh38, 1-based): chr17:50,199,440, T>C on the plus strand (A>G on the coding strand, the complement: COL1A1 is on the minus strand). VCF-style: chr17-50199440-T-C. GRCh37 (hg19) VCF-style: chr17-48276801-T-C.
Other names: short protein forms D116G.
Identifiers: ClinVar variation 951936 (VCV000951936.12), dbSNP rs1907874708, ClinGen allele CA400227681.
Genomic context (GRCh38, chr17:50,199,440, plus strand): 5'-CACCTGCAGCCCCCCACAGCCCAGAGTGCAACGCTTACCCTTGGGCCTCGGGGGCCAGTG[T>C]CTCCCTTGGGTCCCTGTGGGATTGGGGGAGAAGAAACAAGAGGCCAGGTTAGAGAAGGGA-3'
Protein context (NP_000079.2, residues 106-126): ETTGVEGPKG[Asp116Gly]TGPRGPRGPA

ClinVar aggregate classification (germline): Uncertain significance. Review status: criteria provided, multiple submitters, no conflicts (2 of 4 stars). 2 submissions from 2 submitters: Uncertain significance (2). Last evaluated 2021-11-01.

Conditions:
Osteogenesis imperfecta type I (OI1). Also called: OI, TYPE I; OSTEOGENESIS IMPERFECTA TARDA; OSTEOGENESIS IMPERFECTA WITH BLUE SCLERAE; Osteogenesis imperfecta type 1; Lobstein disease; Classic Non-deforming Osteogenesis Imperfecta with Blue Sclerae. Identifiers: Orphanet 216796, Orphanet 666, MedGen C0023931, MONDO:0008146, OMIM 166200. Disease mechanism: loss of function.

Allele frequency attached by ClinVar (database versions not stated): TOPMed below 0.00001.

Submissions (2):

GeneDx
Classification: Uncertain significance. Last evaluated: 2021-11-01. Review status: criteria provided, single submitter. Criteria: GeneDx Variant Classification Process June 2021. Collection method: clinical testing. Allele origin: germline. Affected: yes.
Comment: Not observed at significant frequency in large population cohorts (gnomAD); In silico analysis supports that this missense variant does not alter protein structure/function; Not located in the triple helical region, where the majority of pathogenic missense variants occur (HGMD); Has not been previously published as pathogenic or benign to our knowledge

Labcorp Genetics (formerly Invitae), Labcorp
Classification: Uncertain significance for Osteogenesis imperfecta type I. Last evaluated: 2019-07-05. Review status: criteria provided, single submitter. Criteria: Invitae Variant Classification Sherloc (09022015). Collection method: clinical testing. Allele origin: germline.
Comment: In summary, the available evidence is currently insufficient to determine the role of this variant in disease. Therefore, it has been classified as a Variant of Uncertain Significance. This sequence change replaces aspartic acid with glycine at codon 116 of the COL1A1 protein (p.Asp116Gly). The aspartic acid residue is moderately conserved and there is a moderate physicochemical difference between aspartic acid and glycine. This variant is not present in population databases (ExAC no frequency). This variant has not been reported in the literature in individuals with COL1A1-related conditions.